The following is an entry in ClinVar:

ClinVar aggregate classification (germline): Uncertain significance (1 of 4 stars; one submission).

Conditions:
Neurodevelopmental disorder with regression, abnormal movements, loss of speech, and seizures. Identifiers: Orphanet 597623, MedGen C4748127, MONDO:0060759, OMIM 618088.

Submission:

Laboratorio de Genetica e Diagnostico Molecular, Hospital Israelita Albert Einstein
Classification: Uncertain significance for Neurodevelopmental disorder with regression, abnormal movements, loss of speech, and seizures. Last evaluated: 2025-08-05. Review status: criteria provided, single submitter. Criteria: ACMG Guidelines, 2015. Collection method: clinical testing. Allele origin: germline. Affected: yes.
Comment: ACMG classification criteria: PVS1 strong, PM2 supporting

NM_024496.4(IRF2BPL):c.311dup (p.Gln105fs)

Genes: IRF2BPL (interferon regulatory factor 2 binding protein like; minus strand), LOC107984638 (uncharacterized LOC107984638; plus strand). Cytogenetic location: 14q24.3.
Variant type: Duplication.
Coding change: c.311dup on transcript NM_024496.4 (MANE Select); coding-DNA position 311, one base duplicated (A; older notation c.311dupA).
Protein change: p.Gln105fs; shifts the reading frame from glutamine 105.
Molecular consequence: frameshift variant. On other transcripts: non-coding transcript variant (3).
Genome position (GRCh38, 1-based): chr14:77,027,482, T duplicated on the plus strand (A on the coding strand, the reverse complement: IRF2BPL is on the minus strand). VCF-style (leftmost placement, unchanged base first): chr14-77027481-C-CT. GRCh37 (hg19) VCF-style: chr14-77493824-C-CT.
Other names: short protein forms Q105fs.
Identifiers: ClinVar variation 4846821 (VCV004846821.1).
Genomic context (GRCh38, chr14:77,027,481, plus strand): 5'-CTGCTGCTGCTGCTGCTGCTGCTGCTGCTGTTGCTGCTGCTGCTGCTGCTGTTGCTGTTG[C>CT]TGTTGCGCGGCGGCGGCGGCGGCCGCCGCTGCTGCCGCCGCCGCCGCCGCTTCCTTAGCC-3'